The following is an entry in ClinVar:

ClinVar aggregate classification (germline): Uncertain significance (1 of 4 stars; one submission).

Allele frequency attached by ClinVar (database versions not stated): gnomAD exomes 0.00001.
gnomAD v4.1: 3 of 1,614,178 alleles (0.00019%); highest among the groups gnomAD compares: South Asian, 0.0011%; no homozygotes.

Submission:

GeneDx
Classification: Uncertain significance. Last evaluated: 2020-01-14. Review status: criteria provided, single submitter. Criteria: GeneDx Variant Classification Process June 2021. Collection method: clinical testing. Allele origin: germline. Affected: yes.
Comment: Not observed in large population cohorts (Lek et al., 2016); In silico analysis, which includes protein predictors and evolutionary conservation, supports a deleterious effect; Has not been previously published as pathogenic or benign to our knowledge

NM_001348323.3(TRIP12):c.3332C>T (p.Ser1111Leu)

Gene: TRIP12 (thyroid hormone receptor interactor 12; minus strand). Cytogenetic location: 2q36.3.
Variant type: single nucleotide variant.
Coding change: c.3332C>T on transcript NM_001348323.3 (MANE Select); coding-DNA position 3332, C replaced by T.
Protein change: p.Ser1111Leu; replaces serine 1111 with leucine.
Molecular consequence: missense variant.
Genome position (GRCh38, 1-based): chr2:229,799,025, G>A on the plus strand (C>T on the coding strand, the complement: TRIP12 is on the minus strand). VCF-style: chr2-229799025-G-A. GRCh37 (hg19) VCF-style: chr2-230663741-G-A.
Other names: c.3251C>T, p.Ser1084Leu (NM_001284214.2, NM_001348315.2); c.3206C>T, p.Ser1069Leu (NM_001284215.2, NM_001348316.2, NM_001348317.1 and 1 more transcripts); c.2297C>T, p.Ser766Leu (NM_001284216.2); c.3332C>T, p.Ser1111Leu (NM_001348319.1, NM_001348320.2, NM_001348322.1 and 4 more transcripts); c.3335C>T, p.Ser1112Leu (NM_001348321.1, NM_001348328.1, NM_001348329.2 and 1 more transcripts); c.3125C>T, p.Ser1042Leu (NM_001348331.1); c.3245C>T, p.Ser1082Leu (NM_001348332.1); c.3254C>T, p.Ser1085Leu (NM_001348333.1); and 1 more; short protein forms S1036L, S1042L, S1069L, S1082L, S1084L, S1085L, S1111L, S1112L.
Identifiers: ClinVar variation 1311172 (VCV001311172.2), dbSNP rs2043515007, ClinGen allele CA350907712.